The following is an entry in ClinVar:

ClinVar aggregate classification (germline): Uncertain significance (1 of 4 stars; one submission).

gnomAD v4.1: 51 of 1,609,916 alleles (0.0032%); highest among the groups gnomAD compares: African/African-American, 0.0054%; no homozygotes.

Submission:

Labcorp Genetics (formerly Invitae), Labcorp
Classification: Uncertain significance. Last evaluated: 2024-05-04. Review status: criteria provided, single submitter. Criteria: Invitae Variant Classification Sherloc (09022015). Collection method: clinical testing. Allele origin: germline.
Comment: This sequence change replaces alanine, which is neutral and non-polar, with threonine, which is neutral and polar, at codon 1845 of the HMCN1 protein (p.Ala1845Thr). This variant is present in population databases (rs770829339, gnomAD 0.004%). This variant has not been reported in the literature in individuals affected with HMCN1-related conditions. Algorithms developed to predict the effect of missense changes on protein structure and function output the following: SIFT: "Not Available"; PolyPhen-2: "Benign"; Align-GVGD: "Not Available". The threonine amino acid residue is found in multiple mammalian species, which suggests that this missense change does not adversely affect protein function. In summary, the available evidence is currently insufficient to determine the role of this variant in disease. Therefore, it has been classified as a Variant of Uncertain Significance.

NM_031935.3(HMCN1):c.5533G>A (p.Ala1845Thr)

Gene: HMCN1 (hemicentin 1; plus strand). Cytogenetic location: 1q31.1.
Variant type: single nucleotide variant.
Coding change: c.5533G>A on transcript NM_031935.3 (MANE Select); coding-DNA position 5533, G replaced by A.
Protein change: p.Ala1845Thr; replaces alanine 1845 with threonine.
Molecular consequence: missense variant.
Genome position (GRCh38, 1-based): chr1:186,019,603, G>A. VCF-style: chr1-186019603-G-A. GRCh37 (hg19) VCF-style: chr1-185988735-G-A.
Other names: short protein forms A1845T.
Identifiers: ClinVar variation 3716193 (VCV003716193.2).